The following is an entry in ClinVar:

ClinVar aggregate classification (germline): Uncertain significance (1 of 4 stars; one submission).

Submission:

Labcorp Genetics (formerly Invitae), Labcorp
Classification: Uncertain significance. Last evaluated: 2024-02-19. Review status: criteria provided, single submitter. Criteria: Invitae Variant Classification Sherloc (09022015). Collection method: clinical testing. Allele origin: germline.
Comment: This sequence change replaces glutamic acid, which is acidic and polar, with aspartic acid, which is acidic and polar, at codon 72 of the TULP1 protein (p.Glu72Asp). This variant is not present in population databases (gnomAD no frequency). This variant has not been reported in the literature in individuals affected with TULP1-related conditions. ClinVar contains an entry for this variant (Variation ID: 2132600). Advanced modeling of protein sequence and biophysical properties (such as structural, functional, and spatial information, amino acid conservation, physicochemical variation, residue mobility, and thermodynamic stability) performed at Invitae indicates that this missense variant is not expected to disrupt TULP1 protein function with a negative predictive value of 95%. In summary, the available evidence is currently insufficient to determine the role of this variant in disease. Therefore, it has been classified as a Variant of Uncertain Significance.

NM_003322.6(TULP1):c.216G>T (p.Glu72Asp)

Gene: TULP1 (TUB like protein 1; minus strand). Cytogenetic location: 6p21.31.
Variant type: single nucleotide variant.
Coding change: c.216G>T on transcript NM_003322.6 (MANE Select); coding-DNA position 216, G replaced by T.
Protein change: p.Glu72Asp; replaces glutamic acid 72 with aspartic acid.
Molecular consequence: missense variant. On other transcripts: intron variant (1).
Genome position (GRCh38, 1-based): chr6:35,511,781, C>A on the plus strand (G>T on the coding strand, the complement: TULP1 is on the minus strand). VCF-style: chr6-35511781-C-A. GRCh37 (hg19) VCF-style: chr6-35479558-C-A.
Other names: c.190+399G>T (NM_001289395.2); short protein forms E72D.
Identifiers: ClinVar variation 2132600 (VCV002132600.4), dbSNP rs2533809390, ClinGen allele CA363784722.